The following is an entry in ClinVar:

ClinVar aggregate classification (germline): Uncertain significance (1 of 4 stars; one submission).

Submission:

GeneDx
Classification: Uncertain significance. Last evaluated: 2022-06-01. Review status: criteria provided, single submitter. Criteria: GeneDx Variant Classification Process June 2021. Collection method: clinical testing. Allele origin: germline. Affected: yes.
Comment: Not observed at significant frequency in large population cohorts (gnomAD); In silico analysis supports that this missense variant has a deleterious effect on protein structure/function; Has not been previously published as pathogenic or benign to our knowledge

NM_177402.5(SYT2):c.960G>T (p.Arg320Ser)

Gene: SYT2 (synaptotagmin 2; minus strand). Cytogenetic location: 1q32.1.
Variant type: single nucleotide variant.
Coding change: c.960G>T on transcript NM_177402.5 (MANE Select); coding-DNA position 960, G replaced by T.
Protein change: p.Arg320Ser; replaces arginine 320 with serine.
Molecular consequence: missense variant.
Genome position (GRCh38, 1-based): chr1:202,599,311, C>A on the plus strand (G>T on the coding strand, the complement: SYT2 is on the minus strand). VCF-style: chr1-202599311-C-A. GRCh37 (hg19) VCF-style: chr1-202568439-C-A.
Other names: c.960G>T, p.Arg320Ser (NM_001136504.1); short protein forms R320S.
Identifiers: ClinVar variation 1801948 (VCV001801948.1), dbSNP rs1690414006, ClinGen allele CA344256613.